The following is an entry in ClinVar:

ClinVar aggregate classification (germline): Uncertain significance. Review status: criteria provided, multiple submitters, no conflicts (2 of 4 stars). 3 submissions from 3 submitters: Uncertain significance (2). 1 of the submissions does not count toward it. Last evaluated 2022-07-19.

Conditions:
Alstrom syndrome (ALMS). Identifiers: Orphanet 64, MedGen C0268425, MONDO:0008763, OMIM 203800.

gnomAD v4.1: 1 of 1,614,178 alleles (0.000062%); highest among the groups gnomAD compares: Non-Finnish European, 0.000085%; no homozygotes.

Submissions (3):

Labcorp Genetics (formerly Invitae), Labcorp
Classification: Uncertain significance for Alstrom syndrome. Last evaluated: 2022-07-19. Review status: criteria provided, single submitter. Criteria: Invitae Variant Classification Sherloc (09022015). Collection method: clinical testing. Allele origin: germline.
Comment: In summary, the available evidence is currently insufficient to determine the role of this variant in disease. Therefore, it has been classified as a Variant of Uncertain Significance. ClinVar contains an entry for this variant (Variation ID: 1025636). This variant has not been reported in the literature in individuals affected with ALMS1-related conditions. This variant is not present in population databases (gnomAD no frequency). This sequence change replaces serine, which is neutral and polar, with arginine, which is basic and polar, at codon 2563 of the ALMS1 protein (p.Ser2563Arg).

Fulgent Genetics
Classification: Uncertain significance for Alstrom syndrome. Last evaluated: 2021-10-28. Review status: criteria provided, single submitter. Criteria: ACMG Guidelines, 2015. Collection method: clinical testing. Allele origin: unknown.

Natera, Inc.
Classification: Uncertain significance for Alstrom syndrome. Last evaluated: 2020-07-29. Review status: no assertion criteria provided. Collection method: clinical testing. Allele origin: germline. Not counted in ClinVar's aggregate classification.

NM_001378454.1(ALMS1):c.7684A>C (p.Ser2562Arg)

Gene: ALMS1 (ALMS1 centrosome and basal body associated protein; plus strand). Cytogenetic location: 2p13.1.
Variant type: single nucleotide variant.
Coding change: c.7684A>C on transcript NM_001378454.1 (MANE Select); coding-DNA position 7684, A replaced by C.
Protein change: p.Ser2562Arg; replaces serine 2562 with arginine.
Molecular consequence: missense variant.
Genome position (GRCh38, 1-based): chr2:73,489,643, A>C. VCF-style: chr2-73489643-A-C. GRCh37 (hg19) VCF-style: chr2-73716770-A-C.
Other names: c.7687A>C, p.Ser2563Arg (NM_015120.4); short protein forms S2562R, S2563R.
Identifiers: ClinVar variation 1025636 (VCV001025636.13), dbSNP rs772417159, ClinGen allele CA347263847.